The following is an entry in ClinVar:

NM_005359.6(SMAD4):c.665C>T (p.Thr222Ile)

Gene: SMAD4 (SMAD family member 4; plus strand). Cytogenetic location: 18q21.2.
Variant type: single nucleotide variant.
Coding change: c.665C>T on transcript NM_005359.6 (MANE Select); coding-DNA position 665, C replaced by T.
Protein change: p.Thr222Ile; replaces threonine 222 with isoleucine.
Molecular consequence: missense variant. On other transcripts: non-coding transcript variant (2).
Genome position (GRCh38, 1-based): chr18:51,054,991, C>T. VCF-style: chr18-51054991-C-T. GRCh37 (hg19) VCF-style: chr18-48581361-C-T.
Other names: c.665C>T, p.Thr222Ile (NM_001407041.1, NM_001407042.1, NM_001407043.1); short protein forms T222I.
Identifiers: ClinVar variation 2852333 (VCV002852333.4), dbSNP rs2144419721, ClinGen allele CA402461367.

ClinVar aggregate classification (germline): Uncertain significance. Review status: criteria provided, multiple submitters, no conflicts (2 of 4 stars). 2 submissions from 2 submitters: Uncertain significance (2). Last evaluated 2024-11-02.

Conditions:
Familial thoracic aortic aneurysm and aortic dissection (TAAD). Also called: Thoracic aortic aneurysms and dissections. Identifiers: Orphanet 91387, MedGen C4707243, MONDO:0019625.
Hereditary cancer-predisposing syndrome. Also called: Hereditary Cancer Syndrome; Hereditary neoplastic syndrome; Neoplastic Syndromes, Hereditary; Tumor predisposition. Identifiers: Orphanet 140162, MedGen C0027672, MeSH D009386, MONDO:0015356.
Juvenile polyposis syndrome (JPS). Identifiers: Orphanet 2929, MedGen C0345893, MONDO:0017380, OMIM 174900.

Submissions (2):

Ambry Genetics
Classification: Uncertain significance for Hereditary cancer-predisposing syndrome; Familial thoracic aortic aneurysm and aortic dissection. Last evaluated: 2024-11-02. Review status: criteria provided, single submitter. Criteria: Ambry Variant Classification Scheme 2023. Collection method: clinical testing. Allele origin: germline.
Comment: The p.T222I variant (also known as c.665C>T), located in coding exon 4 of the SMAD4 gene, results from a C to T substitution at nucleotide position 665. The threonine at codon 222 is replaced by isoleucine, an amino acid with similar properties. This amino acid position is conserved. In addition, this alteration is predicted to be deleterious by in silico analysis. Based on the available evidence, the clinical significance of this variant remains unclear.

Labcorp Genetics (formerly Invitae), Labcorp
Classification: Uncertain significance for Juvenile polyposis syndrome. Last evaluated: 2023-04-06. Review status: criteria provided, single submitter. Criteria: Invitae Variant Classification Sherloc (09022015). Collection method: clinical testing. Allele origin: germline.
Comment: This sequence change replaces threonine, which is neutral and polar, with isoleucine, which is neutral and non-polar, at codon 222 of the SMAD4 protein (p.Thr222Ile). This variant is not present in population databases (gnomAD no frequency). This variant has not been reported in the literature in individuals affected with SMAD4-related conditions. An algorithm developed to predict the effect of missense changes on protein structure and function (PolyPhen-2) suggests that this variant is likely to be tolerated. In summary, the available evidence is currently insufficient to determine the role of this variant in disease. Therefore, it has been classified as a Variant of Uncertain Significance.